The following is an entry in ClinVar:

NM_001080394.4(SPIDR):c.877+6G>A

Gene: SPIDR (scaffold protein involved in DNA repair; plus strand). Cytogenetic location: 8q11.21.
Variant type: single nucleotide variant.
Coding change: c.877+6G>A on transcript NM_001080394.4 (MANE Select); 6 bases into the intron after coding-DNA position 877, G replaced by A.
Molecular consequence: intron variant.
Genome position (GRCh38, 1-based): chr8:47,407,967, G>A. VCF-style: chr8-47407967-G-A. GRCh37 (hg19) VCF-style: chr8-48320529-G-A.
Other names: c.-407+6G>A (NM_001352958.1); c.220+6G>A (NM_001352949.1, NM_001352942.1); c.877+6G>A (NM_001352931.1, NM_001352934.1, NM_001352961.1); c.127+6G>A (NM_001352951.1, NM_001352948.1, NM_001352947.1 and 1 more transcripts); c.-56-32356G>A (NM_001352955.1, NM_001352957.1, NM_001352953.1); c.757+6G>A (NM_001352932.1); c.385+6G>A (NM_001352940.1, NM_001352950.1, NM_001352943.1 and 2 more transcripts); c.-57+6G>A (NM_001352952.1, NM_001352956.1); and 4 more.
Identifiers: ClinVar variation 769340 (VCV000769340.24), dbSNP rs17612211, ClinGen allele CA4738015.

ClinVar aggregate classification (germline): Benign/Likely benign. Review status: criteria provided, multiple submitters, no conflicts (2 of 4 stars). 3 submissions from 3 submitters: Benign (2); Likely benign (1). Last evaluated 2025-09-01.

Allele frequency attached by ClinVar (database versions not stated): 1000 Genomes Project 0.00260; 1000 Genomes Project 30x 0.00344; TOPMed 0.00464; ESP Exome Variant Server 0.00525; gnomAD 0.00568 and 0.00578; ExAC 0.00630; gnomAD exomes 0.00685 and 0.00691.
gnomAD v4.1: 10,278 of 1,515,184 alleles (0.68%); highest among the groups gnomAD compares: Middle Eastern, 1.3%; 60 homozygotes.

Submissions (3):

CeGaT Center for Human Genetics Tuebingen
Classification: Likely benign. Last evaluated: 2025-09-01. Review status: criteria provided, single submitter. Criteria: CeGaT Center For Human Genetics Tuebingen Variant Classification Criteria Version 2. Collection method: clinical testing. Allele origin: germline. Affected: yes. Observed: 2 variant alleles.
Comment: SPIDR: BP4, BS2

Labcorp Genetics (formerly Invitae), Labcorp
Classification: Benign. Last evaluated: 2019-12-31. Review status: criteria provided, single submitter. Criteria: Invitae Variant Classification Sherloc (09022015). Collection method: clinical testing. Allele origin: germline.

Breakthrough Genomics
Classification: Benign. Review status: criteria provided, single submitter. Criteria: ACMG Guidelines, 2015. Collection method: not provided. Allele origin: germline. Inheritance: Autosomal recessive inheritance. Affected: yes.